The following is an entry in ClinVar:

NM_020719.3(PRR12):c.4461G>A (p.Pro1487=)

Gene: PRR12 (proline rich 12; plus strand). Cytogenetic location: 19q13.33.
Variant type: single nucleotide variant.
Coding change: c.4461G>A on transcript NM_020719.3 (MANE Select); coding-DNA position 4461, G replaced by A.
Protein change: p.Pro1487=; no amino-acid change (proline 1487 retained).
Molecular consequence: synonymous variant.
Genome position (GRCh38, 1-based): chr19:49,601,606, G>A. VCF-style: chr19-49601606-G-A. GRCh37 (hg19) VCF-style: chr19-50104863-G-A.
Identifiers: ClinVar variation 5041239 (VCV005041239.1).
Genomic context (GRCh38, chr19:49,601,606, plus strand): 5'-TCAGCCTCAGCCTCCGCCACCCCCTCCGCCGCCACAGCCAGCCCTGCCCTCGCCACCCCC[G>A]CTGGTGGCCCCCACGCCCAGCTCACCACCGCCACCGCCGCTGCCGCCGCCACCTCCACCA-3'
Protein context (NP_065770.1, residues 1477-1497): PPQPALPSPP[Pro1487=]LVAPTPSSPP

ClinVar aggregate classification (germline): Likely benign (1 of 4 stars; one submission).

gnomAD v4.1: 95 of 1,339,092 alleles (0.0071%); highest among the groups gnomAD compares: Admixed American, 0.21%; 1 homozygote.

Submission:

CeGaT Center for Human Genetics Tuebingen
Classification: Likely benign. Last evaluated: 2026-09-01. Review status: criteria provided, single submitter. Criteria: CeGaT Center For Human Genetics Tuebingen Variant Classification Criteria Version 2. Collection method: clinical testing. Allele origin: germline. Affected: yes. Observed: 1 variant allele.
Comment: PRR12: BP4, BP7